The following is an entry in ClinVar:

NM_176824.3(BBS7):c.*1286G>A

Gene: BBS7 (Bardet-Biedl syndrome 7; minus strand). Cytogenetic location: 4q27.
Variant type: single nucleotide variant.
Coding change: c.*1286G>A on transcript NM_176824.3 (MANE Select); 1286 bases downstream of the stop codon, G replaced by A.
Molecular consequence: 3 prime UTR variant.
Genome position (GRCh38, 1-based): chr4:121,824,574, C>T on the plus strand (G>A on the coding strand, the complement: BBS7 is on the minus strand). VCF-style: chr4-121824574-C-T. GRCh37 (hg19) VCF-style: chr4-122745729-C-T.
Identifiers: ClinVar variation 347465 (VCV000347465.6), dbSNP rs1507996, ClinGen allele CA10620023.
Genomic context (GRCh38, chr4:121,824,574, plus strand): 5'-ATGCAATTAATTTAAGATGGCACCTTGAACTACTGTTGATATATATAATAAATAGCAGTG[C>T]ATTACAAAATATTCAAATACAGTCATTAATTTTTTTCTATTTTTCCCCAAGCTGTGGCAA-3'

ClinVar aggregate classification (germline): Benign. Review status: criteria provided, multiple submitters, no conflicts (2 of 4 stars). 2 submissions from 2 submitters: Benign (2). Last evaluated 2018-01-12.

Conditions:
Bardet-Biedl syndrome 7 (BBS7). Identifiers: Orphanet 110, MedGen C1859565, MONDO:0014435, OMIM 615984.

Allele frequency attached by ClinVar (database versions not stated): 1000 Genomes Project 30x 0.17146; 1000 Genomes Project 0.17232; TOPMed 0.19810; gnomAD 0.20905 and 0.21106.

Submissions (2):

Illumina Laboratory Services, Illumina
Classification: Benign for Bardet-Biedl syndrome 7. Last evaluated: 2018-01-12. Review status: criteria provided, single submitter. Criteria: ICSL Variant Classification Criteria 13 December 2019. Collection method: clinical testing. Allele origin: germline.
Comment: This variant was observed in the ICSL laboratory as part of a predisposition screen in an ostensibly healthy population. It had not been previously curated by ICSL or reported in the Human Gene Mutation Database (HGMD: prior to June 1st, 2018), and was therefore a candidate for classification through an automated scoring system. Utilizing variant allele frequency, disease prevalence and penetrance estimates, and inheritance mode, an automated score was calculated to assess if this variant is too frequent to cause the disease. Based on the score and internal cut-off values, a variant classified as benign is not then subjected to further curation. The score for this variant resulted in a classification of benign for this disease.

Breakthrough Genomics
Classification: Benign. Review status: criteria provided, single submitter. Criteria: ACMG Guidelines, 2015. Collection method: not provided. Allele origin: germline. Inheritance: Autosomal recessive inheritance. Affected: yes.